The following is an entry in ClinVar:

ClinVar aggregate classification (germline): Conflicting classifications of pathogenicity. Review status: criteria provided, conflicting classifications (1 of 4 stars). 3 submissions from 3 submitters: Pathogenic (1); Uncertain significance (1). 1 of the submissions does not count toward it. Last evaluated 2022-04-04.

Conditions:
TAFAZZIN-related disorder. Also called: TAFAZZIN-related condition; TAFAZZIN-Related Disorders.
3-Methylglutaconic aciduria type 2 (BTHS). Also called: Barth syndrome; CARDIOSKELETAL MYOPATHY WITH NEUTROPENIA AND ABNORMAL MITOCHONDRIA. Identifiers: Orphanet 111, MedGen C0574083, MONDO:0010543, OMIM 302060.

Submissions (3):

Labcorp Genetics (formerly Invitae), Labcorp
Classification: Pathogenic for 3-Methylglutaconic aciduria type 2. Last evaluated: 2022-04-04. Review status: criteria provided, single submitter. Criteria: Invitae Variant Classification Sherloc (09022015). Collection method: clinical testing. Allele origin: germline.
Comment: For these reasons, this variant has been classified as Pathogenic. Algorithms developed to predict the effect of missense changes on protein structure and function are either unavailable or do not agree on the potential impact of this missense change (SIFT: "Not Available"; PolyPhen-2: "Benign"; Align-GVGD: "Not Available"). Studies have shown that this missense change results in activation of a cryptic splice site and introduces a premature termination codon (PMID: 23606313). The resulting mRNA is expected to undergo nonsense-mediated decay. This sequence change replaces methionine, which is neutral and non-polar, with valine, which is neutral and non-polar, at codon 185 of the TAZ protein (p.Met185Val). RNA analysis indicates that this missense change induces altered splicing and may result in an absent or disrupted protein product. This variant is not present in population databases (gnomAD no frequency). This missense change has been observed in individual(s) with Barth Syndrome and left ventricular noncompaction (PMID: 23606313, 25112388, 28855170).

Molecular Diagnostics Lab, Nemours Children's Health, Delaware
Classification: Uncertain significance for 3-Methylglutaconic aciduria type 2. Last evaluated: 2020-08-03. Review status: criteria provided, single submitter. Criteria: ACMG Guidelines, 2015. Collection method: clinical testing. Allele origin: unknown. Inheritance: X-linked inheritance. Affected: yes. Observed: 1 hemizygote.

PreventionGenetics, part of Exact Sciences
Classification: Likely pathogenic for TAFAZZIN-related condition. Last evaluated: 2024-09-25. Review status: no assertion criteria provided. Collection method: clinical testing. Allele origin: germline. Not counted in ClinVar's aggregate classification.
Comment: The TAFAZZIN c.553A>G variant is predicted to result in the amino acid substitution p.Met185Val. This variant has been reported in individuals with Barth syndrome and left ventricular noncompaction (Wang et al. 2017. PubMed ID: 28855170; Fan et al 2013. PubMed ID: 23606313; Bowron et al. 2014. PubMed ID: 25112388). Functional studies using RNA from patient-derived lymphoblasts showed that a strong donor splice site is created leading to retention of intron 6 and partial deletion of exon 7 (r.[541+1_542-1 ins; r.553_583del]; p.Lys182Glnfs*4) (Fan et al. 2013. PubMed ID: 23606313). Cardiolipin analysis confirmed the loss of tafazzin activity (Fan et al. 2013. PubMed ID: 23606313). This variant has not been reported in a large population database, indicating this variant is rare. This variant is interpreted as likely pathogenic.

Literature cited by the submitters: PubMed 23606313 (cited by Labcorp Genetics (formerly Invitae), Labcorp and Molecular Diagnostics Lab, Nemours Children's Health, Delaware); PubMed 25112388 (cited by Labcorp Genetics (formerly Invitae), Labcorp); PubMed 28855170 (cited by Labcorp Genetics (formerly Invitae), Labcorp).

NM_000116.5(TAFAZZIN):c.553A>G (p.Met185Val)

Gene: TAFAZZIN (tafazzin, phospholipid-lysophospholipid transacylase; plus strand). Cytogenetic location: Xq28.
Variant type: single nucleotide variant.
Coding change: c.553A>G on transcript NM_000116.5 (MANE Select); coding-DNA position 553, A replaced by G.
Protein change: p.Met185Val; replaces methionine 185 with valine.
Molecular consequence: missense variant. On other transcripts: non-coding transcript variant (1), intron variant (3).
Genome position (GRCh38, 1-based): chrX:154,419,716, A>G. VCF-style: chrX-154419716-A-G. GRCh37 (hg19) VCF-style: chrX-153648055-A-G.
Other names: c.517A>G, p.Met173Val (NM_001410698.1); c.463A>G, p.Met155Val (NM_181311.4); c.595+93A>G (NM_001303465.2); c.541+93A>G (NM_181312.4); c.451+93A>G (NM_181313.4); c.553A>G (NM_000116.4); short protein forms M155V, M173V, M185V.
Identifiers: ClinVar variation 2138792 (VCV002138792.7), dbSNP rs2522986801, ClinGen allele CA415183866.
Genomic context (GRCh38, chrX:154,419,716, plus strand): 5'-GTATGAGCGGGATGGGCTCCCAAGCCTCGCCTCTGTGCTCTCTCACCAGGGAAAGTGAAC[A>G]TGAGTTCCGAATTCCTGCGTTTCAAGTGGGGTAAGGGCTGCTGGTCTCTGGCCACAGCCA-3'
Protein context (NP_000107.1, residues 175-195): VHIFPEGKVN[Met185Val]SSEFLRFKWG